The following is an entry in ClinVar:

ClinVar aggregate classification (germline): Uncertain significance (1 of 4 stars; one submission).

Conditions:
Kabuki syndrome. Also called: NIIKAWA-KUROKI SYNDROME; Kabuki make-up syndrome. Identifiers: Orphanet 2322, MedGen C0796004, MONDO:0016512.
Kabuki syndrome 1 (KABUK1). Also called: KMT2D-Related Kabuki Syndrome. Identifiers: Orphanet 2322, MedGen CN030661, MONDO:0007843, OMIM 147920.

gnomAD v4.1: 15 of 1,614,030 alleles (0.00093%); highest among the groups gnomAD compares: Non-Finnish European, 0.0013%; no homozygotes.

Submission:

Labcorp Genetics (formerly Invitae), Labcorp
Classification: Uncertain significance for Kabuki syndrome. Last evaluated: 2021-10-12. Review status: criteria provided, single submitter. Criteria: Invitae Variant Classification Sherloc (09022015). Collection method: clinical testing. Allele origin: germline.
Comment: This variant is not present in population databases (ExAC no frequency). In summary, the available evidence is currently insufficient to determine the role of this variant in disease. Therefore, it has been classified as a Variant of Uncertain Significance. Advanced modeling of protein sequence and biophysical properties (such as structural, functional, and spatial information, amino acid conservation, physicochemical variation, residue mobility, and thermodynamic stability) performed at Invitae indicates that this missense variant is not expected to disrupt KMT2D protein function. This variant has not been reported in the literature in individuals affected with KMT2D-related conditions. This sequence change replaces serine with arginine at codon 5000 of the KMT2D protein (p.Ser5000Arg). The serine residue is moderately conserved and there is a moderate physicochemical difference between serine and arginine.

NM_003482.4(KMT2D):c.14998A>C (p.Ser5000Arg)

Gene: KMT2D (lysine methyltransferase 2D; minus strand). Cytogenetic location: 12q13.12.
Variant type: single nucleotide variant.
Coding change: c.14998A>C on transcript NM_003482.4 (MANE Select); coding-DNA position 14998, A replaced by C.
Protein change: p.Ser5000Arg; replaces serine 5000 with arginine.
Molecular consequence: missense variant.
Genome position (GRCh38, 1-based): chr12:49,026,968, T>G on the plus strand (A>C on the coding strand, the complement: KMT2D is on the minus strand). VCF-style: chr12-49026968-T-G. GRCh37 (hg19) VCF-style: chr12-49420751-T-G.
Other names: c.14998A>C (NM_003482.3); short protein forms S5000R.
Identifiers: ClinVar variation 1521781 (VCV001521781.6), dbSNP rs1942627009, ClinGen allele CA384690895.
Genomic context (GRCh38, chr12:49,026,968, plus strand): 5'-AGGCTGTGCCAAGCTGCTCCATAAACTCTGCCACTTCCCGCTCATCCTCCTGCCGCCCAC[T>G]GCCCTTCTGGATGGTCAGCAGCAGCCGAAGCCGCTTCCAGCGCACTCCTTTCCATTTCTT-3'
Protein context (NP_003473.3, residues 4990-5010): LRLLLTIQKG[Ser5000Arg]GRQEDEREVA